The following is an entry in ClinVar:

ClinVar aggregate classification (germline): Pathogenic/Likely pathogenic. Review status: criteria provided, multiple submitters, no conflicts (2 of 4 stars). 3 submissions from 3 submitters: Pathogenic (1); Likely pathogenic (1). 1 of the submissions does not count toward it. Last evaluated 2023-06-22.

Conditions:
Retinal dystrophy. Also called: Inherited retinal dystrophy. Identifiers: Orphanet 71862, MedGen C0854723, MeSH D058499, MONDO:0019118, HP:0000556.
PRPH2-related disorder. Also called: PRPH2-related disorders; PRPH2-related condition. Identifiers: MedGen CN239395.

Allele frequency attached by ClinVar (database versions not stated): gnomAD exomes below 0.00001.
gnomAD v4.1: 1 of 1,614,176 alleles (0.000062%); highest among the groups gnomAD compares: African/African-American, 0.0013%; no homozygotes.

Submissions (3):

Labcorp Genetics (formerly Invitae), Labcorp
Classification: Likely pathogenic for PRPH2-related disorder. Last evaluated: 2023-06-22. Review status: criteria provided, single submitter. Criteria: Invitae Variant Classification Sherloc (09022015). Collection method: clinical testing. Allele origin: germline.
Comment: In summary, the currently available evidence indicates that the variant is pathogenic, but additional data are needed to prove that conclusively. Therefore, this variant has been classified as Likely Pathogenic. This variant disrupts the p.Ser212 amino acid residue in PRPH2. Other variant(s) that disrupt this residue have been determined to be pathogenic (PMID: 1427912, 18050133; Invitae). This suggests that this residue is clinically significant, and that variants that disrupt this residue are likely to be disease-causing. Advanced modeling of protein sequence and biophysical properties (such as structural, functional, and spatial information, amino acid conservation, physicochemical variation, residue mobility, and thermodynamic stability) performed at Invitae indicates that this missense variant is expected to disrupt PRPH2 protein function. This variant has not been reported in the literature in individuals affected with PRPH2-related conditions. This variant is not present in population databases (gnomAD no frequency). This sequence change replaces serine, which is neutral and polar, with asparagine, which is neutral and polar, at codon 212 of the PRPH2 protein (p.Ser212Asn).

Blueprint Genetics
Classification: Pathogenic for PRPH2-related disorders. Last evaluated: 2022-05-09. Review status: criteria provided, single submitter. Criteria: ACMG Guidelines, 2015. Collection method: clinical testing. Allele origin: germline. Affected: yes. Observed: 5 variant alleles.

Institute of Human Genetics, Univ. Regensburg, Univ. Regensburg
Classification: Likely pathogenic for Retinal dystrophy. Last evaluated: 2020-01-01. Review status: no assertion criteria provided. Criteria: ACMG Guidelines, 2015. Collection method: clinical testing. Allele origin: germline. Affected: yes. Not counted in ClinVar's aggregate classification.

Literature cited by the submitters: PubMed 1427912 (cited by Labcorp Genetics (formerly Invitae), Labcorp); PubMed 18050133 (cited by Labcorp Genetics (formerly Invitae), Labcorp).

NM_000322.5(PRPH2):c.635G>A (p.Ser212Asn)

Gene: PRPH2 (peripherin 2; minus strand). Cytogenetic location: 6p21.1.
Variant type: single nucleotide variant.
Coding change: c.635G>A on transcript NM_000322.5 (MANE Select); coding-DNA position 635, G replaced by A.
Protein change: p.Ser212Asn; replaces serine 212 with asparagine.
Molecular consequence: missense variant.
Genome position (GRCh38, 1-based): chr6:42,704,558, C>T on the plus strand (G>A on the coding strand, the complement: PRPH2 is on the minus strand). VCF-style: chr6-42704558-C-T. GRCh37 (hg19) VCF-style: chr6-42672296-C-T.
Other names: short protein forms S212N.
Identifiers: ClinVar variation 2724477 (VCV002724477.5), dbSNP rs61755801, ClinGen allele CA364135608.
Genomic context (GRCh38, chr6:42,704,558, plus strand): 5'-GCTGAGTTGTTGGTGATCTGATACTGGATGCAGGGCCGTGGCGAGCTAGGATTGCAGCAG[C>T]TGAAAGGGACGCCGTCCACCAGGTACCGCCCATCCACGTTGCTCTTGATTCGACTTAAAG-3'
Protein context (NP_000313.2, residues 202-222): GRYLVDGVPF[Ser212Asn]CCNPSSPRPC